The following is an entry in ClinVar:

ClinVar aggregate classification (germline): not provided (0 of 4 stars; one submission).

Conditions:
Familial long QT syndrome (RWS). Also called: Congenital long QT syndrome; Romano-Ward syndrome; VENTRICULAR FIBRILLATION WITH PROLONGED QT INTERVAL. Identifiers: Orphanet 768, MedGen C1141890, MONDO:0019171.

Submission:

Cardiovascular Biomedical Research Unit, Royal Brompton & Harefield NHS Foundation Trust
No classification provided. Condition: Familial long QT syndrome. Review status: no classification provided. Collection method: literature only. Allele origin: germline.
Comment: This variant has been reported as associated with Long QT syndrome in the following publications (PMID:16414944). This is a literature report, and does not necessarily reflect the clinical interpretation of the Imperial College / Royal Brompton Cardiovascular Genetics laboratory.

Literature cited by the submitters: PubMed 16414944; PubMed 22581653.

NM_000218.3(KCNQ1):c.1028C>G (p.Pro343Arg)

Gene: KCNQ1 (potassium voltage-gated channel subfamily Q member 1; plus strand). Cytogenetic location: 11p15.5.
Variant type: single nucleotide variant.
Coding change: c.1028C>G on transcript NM_000218.3 (MANE Select); coding-DNA position 1028, C replaced by G.
Protein change: p.Pro343Arg; replaces proline 343 with arginine.
Molecular consequence: missense variant.
Genome position (GRCh38, 1-based): chr11:2,583,541, C>G. VCF-style: chr11-2583541-C-G. GRCh37 (hg19) VCF-style: chr11-2604771-C-G.
Other names: c.1028C>G (LRG_287t1); c.1028C>G, p.Pro343Arg (NM_001406836.1); c.758C>G, p.Pro253Arg (NM_001406837.1); c.584C>G, p.Pro195Arg (NM_001406838.1); c.647C>G, p.Pro216Arg (NM_181798.2); short protein forms P343R, P216R, P195R, P253R.
Identifiers: ClinVar variation 52934 (VCV000052934.3), dbSNP rs199472761, ClinGen allele CA004932.